The following is an entry in ClinVar:

NM_000093.5(COL5A1):c.1828-297T>C

Gene: COL5A1 (collagen type V alpha 1 chain; plus strand). Cytogenetic location: 9q34.3.
Variant type: single nucleotide variant.
Coding change: c.1828-297T>C on transcript NM_000093.5 (MANE Select); 297 bases into the intron before coding-DNA position 1828, T replaced by C.
Molecular consequence: intron variant.
Genome position (GRCh38, 1-based): chr9:134,756,468, T>C. VCF-style: chr9-134756468-T-C. GRCh37 (hg19) VCF-style: chr9-137648314-T-C.
Other names: c.1828-297T>C (NM_001278074.1).
Identifiers: ClinVar variation 672937 (VCV000672937.1), dbSNP rs10124864, ClinGen allele CA201091732.
Genomic context (GRCh38, chr9:134,756,468, plus strand): 5'-TCCTAAATTCACGGTCCCCTAGACTGACGCAGCTCCTCCAGCCGGGTCTCCTCTGCCACA[T>C]TGTGGCGTCTTCTCGAAGCCCAGGGGCAGTGGCGTGATCCCCCTTTGACAGTCTGGGATG-3'

ClinVar aggregate classification (germline): Benign (1 of 4 stars; one submission).

Allele frequency attached by ClinVar (database versions not stated): 1000 Genomes Project 0.02157; 1000 Genomes Project 30x 0.02420; gnomAD 0.02596 and 0.02813; TOPMed 0.02967.
gnomAD v4.1: 3,918 of 152,320 alleles (2.6%); highest among the groups gnomAD compares: African/African-American, 8.8%; 191 homozygotes.

Submission:

GeneDx
Classification: Benign. Last evaluated: 2018-06-14. Review status: criteria provided, single submitter. Criteria: GeneDx Variant Classification (06012015). Collection method: clinical testing. Allele origin: germline. Affected: yes.
Comment: This variant is considered likely benign or benign based on one or more of the following criteria: it is a conservative change, it occurs at a poorly conserved position in the protein, it is predicted to be benign by multiple in silico algorithms, and/or has population frequency not consistent with disease.